The following is an entry in ClinVar:

NM_014425.5(INVS):c.2415G>A (p.Pro805=)

Gene: INVS (inversin; plus strand). Cytogenetic location: 9q31.1.
Variant type: single nucleotide variant.
Coding change: c.2415G>A on transcript NM_014425.5 (MANE Select); coding-DNA position 2415, G replaced by A.
Protein change: p.Pro805=; no amino-acid change (proline 805 retained).
Molecular consequence: synonymous variant. On other transcripts: non-coding transcript variant (1).
Genome position (GRCh38, 1-based): chr9:100,292,672, G>A. VCF-style: chr9-100292672-G-A. GRCh37 (hg19) VCF-style: chr9-103054954-G-A.
Other names: c.2127G>A, p.Pro709= (NM_001318381.2); c.1437G>A, p.Pro479= (NM_001318382.2); c.2415G>A (NM_014425.4).
Identifiers: ClinVar variation 1563593 (VCV001563593.22), dbSNP rs192492227, ClinGen allele CA5158620.
Genomic context (GRCh38, chr9:100,292,672, plus strand): 5'-GGCCAAATGTGCCCCCCAGAAAAGGCGCACTCAAGAGCTCAGAGGAGGAAGGTGCTCTCC[G>A]GCTGGTTCTAGCCGCCCTGGCAGTGCCCGGGGGGAGGCGGTCCATGCTGGGCAGAATCCT-3'
Protein context (NP_055240.2, residues 795-815): TQELRGGRCS[Pro805=]AGSSRPGSAR

ClinVar aggregate classification (germline): Likely benign. Review status: criteria provided, multiple submitters, no conflicts (2 of 4 stars). 3 submissions from 3 submitters: Likely benign (3). Last evaluated 2025-03-09.

Conditions:
Nephronophthisis. Also called: Juvenile Nephronophthisis. Identifiers: Orphanet 655, MedGen C0687120, MONDO:0019005, HP:0000090.
INVS-related disorder. Also called: INVS-related condition.

Allele frequency attached by ClinVar (database versions not stated): TOPMed 0.00001; ExAC 0.00004.
gnomAD v4.1: 17 of 1,614,144 alleles (0.0011%); highest among the groups gnomAD compares: Middle Eastern, 0.016%; no homozygotes.

Submissions (3):

PreventionGenetics, part of Exact Sciences
Classification: Likely benign for INVS-related condition. Last evaluated: 2025-03-09. Review status: criteria provided, single submitter. Criteria: ACMG Guidelines, 2015. Collection method: clinical testing. Allele origin: germline.
Comment: This variant is classified as likely benign based on ACMG/AMP sequence variant interpretation guidelines (Richards et al. 2015 PMID: 25741868, with internal and published modifications).

CeGaT Center for Human Genetics Tuebingen
Classification: Likely benign. Last evaluated: 2024-12-01. Review status: criteria provided, single submitter. Criteria: CeGaT Center For Human Genetics Tuebingen Variant Classification Criteria Version 2. Collection method: clinical testing. Allele origin: germline. Affected: yes. Observed: 1 variant allele.
Comment: INVS: BP4, BP7

Labcorp Genetics (formerly Invitae), Labcorp
Classification: Likely benign for Nephronophthisis. Last evaluated: 2024-11-11. Review status: criteria provided, single submitter. Criteria: Invitae Variant Classification Sherloc (09022015). Collection method: clinical testing. Allele origin: germline.